The following is an entry in ClinVar:

ClinVar aggregate classification (germline): Likely pathogenic (3 of 4 stars; one submission).

Conditions:
Monogenic diabetes. Identifiers: Orphanet 183625, MedGen C3888631, MONDO:0015967.

Submission:

ClinGen Monogenic Diabetes Variant Curation Expert Panel
Classification: Likely pathogenic for Monogenic diabetes. Last evaluated: 2024-09-24. Review status: reviewed by expert panel. Criteria: ClinGen Diabetes ACMG Specifications HNF1A V2.1.0. Collection method: curation. Allele origin: germline. Inheritance: Autosomal dominant inheritance.
Comment: The c.415C>G variant in the HNF1 homeobox A gene, HNF1A, causes an amino acid change of leucine to valine at codon 139 (p.(Leu139Val)) of NM_000545.8. This variant is located within a conserved region of the DNA binding domain (codons 107-174 and 201-280) of HNF1A, which is defined as critical for the protein’s function by the ClinGen MDEP (PM1_Supporting). This variant is predicted to be deleterious by computational evidence, with a REVEL score of 0.848, which is greater than the MDEP VCEP threshold of 0.70 (PP3). This variant is absent from gnomAD v2.1.1 (PM2_Supporting). This variant was identified in an individual with a clinical history highly specific for HNF1A-monogenic diabetes (MODY probability calculator result >50%, negative genetic testing for HNF4A, negative antibodies, and sulfonylurea-responsive) (PP4_Moderate; PMID: 27810688). Another missense variant, c.416T>C p.Leu139Pro, has been classified as likely pathogenic by the ClinGen MDEP (PM5_Supporting). In summary, c.415C>G meets the criteria to be classified as likely pathogenic for monogenic diabetes. ACMG/AMP criteria applied, as specified by the ClinGen MDEP (specification version 2.1.0, approved 8/11/2023): PP4_Moderate, PP3, PM1_Supporting, PM2_Supporting, PM5_Supporting.

NM_000545.8(HNF1A):c.415C>G (p.Leu139Val)

Gene: HNF1A (HNF1 homeobox A; plus strand). Cytogenetic location: 12q24.31.
Variant type: single nucleotide variant.
Coding change: c.415C>G on transcript NM_000545.8 (MANE Select); coding-DNA position 415, C replaced by G.
Protein change: p.Leu139Val; replaces leucine 139 with valine.
Molecular consequence: missense variant.
Genome position (GRCh38, 1-based): chr12:120,988,921, C>G. VCF-style: chr12-120988921-C-G. GRCh37 (hg19) VCF-style: chr12-121426724-C-G.
Other names: NM_001306179.2:c.415C>G; c.415C>G, p.Leu139Val (NM_001306179.2, NM_001406915.1); short protein forms L139V.
Identifiers: ClinVar variation 3358873 (VCV003358873.1).